The following is an entry in ClinVar:

NM_001370259.2(MEN1):c.727A>G (p.Ile243Val)

Gene: MEN1 (menin 1; minus strand). Cytogenetic location: 11q13.1.
Variant type: single nucleotide variant.
Coding change: c.727A>G on transcript NM_001370259.2 (MANE Select); coding-DNA position 727, A replaced by G.
Protein change: p.Ile243Val; replaces isoleucine 243 with valine.
Molecular consequence: missense variant. On other transcripts: non-coding transcript variant (4).
Genome position (GRCh38, 1-based): chr11:64,807,608, T>C on the plus strand (A>G on the coding strand, the complement: MEN1 is on the minus strand). VCF-style: chr11-64807608-T-C. GRCh37 (hg19) VCF-style: chr11-64575080-T-C.
Other names: c.742A>G, p.Ile248Val (NM_000244.4, NM_001407145.1, NM_001407150.1 and 5 more transcripts); c.727A>G, p.Ile243Val (NM_001370251.2, NM_001370260.2, NM_001370261.2 and 7 more transcripts); c.622A>G, p.Ile208Val (NM_001370262.2, NM_001370263.2, NM_001407148.1 and 2 more transcripts); short protein forms I208V, I248V, I243V.
Identifiers: ClinVar variation 4106548 (VCV004106548.1).

ClinVar aggregate classification (germline): Uncertain significance (1 of 4 stars; one submission).

Conditions:
Hereditary cancer-predisposing syndrome. Also called: Tumor predisposition; Neoplastic Syndromes, Hereditary; Hereditary neoplastic syndrome; Hereditary Cancer Syndrome. Identifiers: Orphanet 140162, MedGen C0027672, MeSH D009386, MONDO:0015356.

Submission:

Ambry Genetics
Classification: Uncertain significance for Hereditary cancer-predisposing syndrome. Last evaluated: 2025-06-20. Review status: criteria provided, single submitter. Criteria: Ambry Variant Classification Scheme 2023. Collection method: clinical testing. Allele origin: germline.
Comment: The p.I243V variant (also known as c.727A>G), located in coding exon 3 of the MEN1 gene, results from an A to G substitution at nucleotide position 727. The isoleucine at codon 243 is replaced by valine, an amino acid with highly similar properties. This amino acid position is conserved. In addition, the in silico prediction for this alteration is inconclusive. Based on the available evidence, the clinical significance of this variant remains unclear.